The following is an entry in ClinVar:

NM_002485.5(NBN):c.888G>A (p.Met296Ile)

Gene: NBN (nibrin; minus strand). Cytogenetic location: 8q21.3.
Variant type: single nucleotide variant.
Coding change: c.888G>A on transcript NM_002485.5 (MANE Select); coding-DNA position 888, G replaced by A.
Protein change: p.Met296Ile; replaces methionine 296 with isoleucine.
Molecular consequence: missense variant.
Genome position (GRCh38, 1-based): chr8:89,970,372, C>T on the plus strand (G>A on the coding strand, the complement: NBN is on the minus strand). VCF-style: chr8-89970372-C-T. GRCh37 (hg19) VCF-style: chr8-90982600-C-T.
Other names: c.642G>A, p.Met214Ile (NM_001024688.3); short protein forms M214I, M296I.
Identifiers: ClinVar variation 1803608 (VCV001803608.1), dbSNP rs2488308779, ClinGen allele CA371658192.
Genomic context (GRCh38, chr8:89,970,372, plus strand): 5'-AACATAAAATCTCCTACTTGCAGTTTTTTACTAATAAAGAATAATTCTATACCTTTGGAG[C>T]ATATCCATTATTGACTGAATCCATTTCTTCTGACAGTCAGGAATTAAGGTCTGTGAGTTT-3'
Protein context (NP_002476.2, residues 286-306): QKKWIQSIMD[Met296Ile]LQRQGLRPIP

ClinVar aggregate classification (germline): Uncertain significance (1 of 4 stars; one submission).

Allele frequency attached by ClinVar (database versions not stated): gnomAD exomes below 0.00001.
gnomAD v4.1: 1 of 1,607,460 alleles (0.000062%); highest among the groups gnomAD compares: Non-Finnish European, 0.000085%; no homozygotes.

Submission:

GeneDx
Classification: Uncertain significance. Last evaluated: 2022-06-12. Review status: criteria provided, single submitter. Criteria: GeneDx Variant Classification Process June 2021. Collection method: clinical testing. Allele origin: germline. Affected: yes.
Comment: Not observed at significant frequency in large population cohorts (gnomAD); In silico analysis supports that this missense variant does not alter protein structure/function; Has not been previously published as pathogenic or benign to our knowledge; This variant is associated with the following publications: (PMID: 24894818)